The following is an entry in ClinVar:

NM_199420.4(POLQ):c.4948T>A (p.Ser1650Thr)

Gene: POLQ (DNA polymerase theta; minus strand). Cytogenetic location: 3q13.33.
Variant type: single nucleotide variant.
Coding change: c.4948T>A on transcript NM_199420.4 (MANE Select); coding-DNA position 4948, T replaced by A.
Protein change: p.Ser1650Thr; replaces serine 1650 with threonine.
Molecular consequence: missense variant.
Genome position (GRCh38, 1-based): chr3:121,487,983, A>T on the plus strand (T>A on the coding strand, the complement: POLQ is on the minus strand). VCF-style: chr3-121487983-A-T. GRCh37 (hg19) VCF-style: chr3-121206830-A-T.
Other names: short protein forms S1650T.
Identifiers: ClinVar variation 3308607 (VCV003308607.1).

ClinVar aggregate classification (germline): Uncertain significance (1 of 4 stars; one submission).

Submission:

Ambry Genetics
Classification: Uncertain significance. Last evaluated: 2024-03-27. Review status: criteria provided, single submitter. Criteria: Ambry Variant Classification Scheme 2023. Collection method: clinical testing. Allele origin: germline.
Comment: The p.S1650T variant (also known as c.4948T>A), located in coding exon 16 of the POLQ gene, results from a T to A substitution at nucleotide position 4948. The serine at codon 1650 is replaced by threonine, an amino acid with similar properties. This amino acid position is conserved. In addition, this alteration is predicted to be tolerated by in silico analysis. Based on the available evidence, the clinical significance of this alteration remains unclear.